The following is an entry in ClinVar:

ClinVar aggregate classification (germline): Benign/Likely benign. Review status: criteria provided, multiple submitters, no conflicts (2 of 4 stars). 3 submissions from 2 submitters: Benign (1); Likely benign (2). Last evaluated 2018-01-12.

Conditions:
Lissencephaly 4 (LIS4). Also called: Lissencephaly 4 (with microcephaly). Identifiers: Orphanet 1083, MedGen C3151461, MONDO:0013527, OMIM 614019.
Aortic aneurysm, familial thoracic 4 (AAT4). Also called: AORTIC ANEURYSM/AORTIC DISSECTION AND PATENT DUCTUS ARTERIOSUS. Identifiers: MedGen C1851504, MONDO:0007568, OMIM 132900.

Allele frequency attached by ClinVar (database versions not stated): gnomAD exomes 0.03005; TOPMed 0.03625; gnomAD 0.03681 and 0.03754; 1000 Genomes Project 30x 0.04247; 1000 Genomes Project 0.04453.
gnomAD v4.1: 11,457 of 340,898 alleles (3.4%); highest among the groups gnomAD compares: South Asian, 7.6%; 302 homozygotes.

Submissions (3):

Illumina Laboratory Services, Illumina
Classification: Benign for Aortic aneurysm, familial thoracic 4. Last evaluated: 2018-01-12. Review status: criteria provided, single submitter. Criteria: ICSL Variant Classification Criteria 13 December 2019. Collection method: clinical testing. Allele origin: germline.
Comment: This variant was observed in the ICSL laboratory as part of a predisposition screen in an ostensibly healthy population. It had not been previously curated by ICSL or reported in the Human Gene Mutation Database (HGMD: prior to June 1st, 2018), and was therefore a candidate for classification through an automated scoring system. Utilizing variant allele frequency, disease prevalence and penetrance estimates, and inheritance mode, an automated score was calculated to assess if this variant is too frequent to cause the disease. Based on the score and internal cut-off values, a variant classified as benign is not then subjected to further curation. The score for this variant resulted in a classification of benign for this disease.

Illumina Laboratory Services, Illumina
Classification: Likely benign for Lissencephaly 4. Last evaluated: 2017-04-27. Review status: criteria provided, single submitter. Criteria: ICSL Variant Classification Criteria 13 December 2019. Collection method: clinical testing. Allele origin: germline.
Comment: This variant was observed as part of a predisposition screen in an ostensibly healthy population. A literature search was performed for the gene, cDNA change, and amino acid change (where applicable). No publications were found based on this search. Allele frequency data from public databases allowed determination this variant is unlikely to cause disease. Therefore, this variant is classified as likely benign.

Breakthrough Genomics
Classification: Likely benign. Review status: criteria provided, single submitter. Criteria: ACMG Guidelines, 2015. Collection method: not provided. Allele origin: germline. Inheritance: Autosomal recessive inheritance. Affected: yes.

NM_002474.3(MYH11):c.*420C>G

Genes: MYH11 (myosin heavy chain 11; minus strand), NDE1 (nudE neurodevelopment protein 1; plus strand). Cytogenetic location: 16p13.11.
Variant type: single nucleotide variant.
Coding change: c.*420C>G on transcript NM_002474.3 (MANE Select); 420 bases downstream of the stop codon, C replaced by G.
Molecular consequence: 3 prime UTR variant. On other transcripts: intron variant (2).
Genome position (GRCh38, 1-based): chr16:15,703,571, G>C on the plus strand (C>G on the coding strand, the complement: MYH11 is on the minus strand). VCF-style: chr16-15703571-G-C. GRCh37 (hg19) VCF-style: chr16-15797428-G-C.
Other names: c.*561C>G (NM_001040113.2, NM_022844.3); c.*420C>G (NM_001040114.2); c.947+6711G>C (NM_001143979.2, NM_017668.3).
Identifiers: ClinVar variation 318081 (VCV000318081.7), dbSNP rs12932063, ClinGen allele CA10647926.